The following is an entry in ClinVar:

ClinVar aggregate classification (germline): Uncertain significance (1 of 4 stars; one submission).

Conditions:
Gorlin syndrome. Also called: Nevoid Basal Cell Carcinoma Syndrome; Basal cell nevus syndrome. Identifiers: Orphanet 377, MedGen C0004779, MONDO:0007187.

Submission:

Labcorp Genetics (formerly Invitae), Labcorp
Classification: Uncertain significance for Gorlin syndrome. Last evaluated: 2024-05-19. Review status: criteria provided, single submitter. Criteria: Invitae Variant Classification Sherloc (09022015). Collection method: clinical testing. Allele origin: germline.
Comment: This sequence change replaces proline, which is neutral and non-polar, with alanine, which is neutral and non-polar, at codon 726 of the PTCH1 protein (p.Pro726Ala). This variant is not present in population databases (gnomAD no frequency). This variant has not been reported in the literature in individuals affected with PTCH1-related conditions. Advanced modeling of protein sequence and biophysical properties (such as structural, functional, and spatial information, amino acid conservation, physicochemical variation, residue mobility, and thermodynamic stability) performed at Invitae indicates that this missense variant is not expected to disrupt PTCH1 protein function with a negative predictive value of 95%. In summary, the available evidence is currently insufficient to determine the role of this variant in disease. Therefore, it has been classified as a Variant of Uncertain Significance.

NM_000264.5(PTCH1):c.2176C>G (p.Pro726Ala)

Genes: PTCH1 (patched 1; minus strand), LOC100507346 (uncharacterized LOC100507346; plus strand). Cytogenetic location: 9q22.32.
Variant type: single nucleotide variant.
Coding change: c.2176C>G on transcript NM_000264.5 (MANE Select); coding-DNA position 2176, C replaced by G.
Protein change: p.Pro726Ala; replaces proline 726 with alanine.
Molecular consequence: missense variant. On other transcripts: non-coding transcript variant (2).
Genome position (GRCh38, 1-based): chr9:95,468,825, G>C on the plus strand (C>G on the coding strand, the complement: PTCH1 is on the minus strand). VCF-style: chr9-95468825-G-C. GRCh37 (hg19) VCF-style: chr9-98231107-G-C.
Other names: c.1723C>G, p.Pro575Ala (NM_001083606.3, NM_001083607.3, NM_001083604.3 and 1 more transcripts); c.2020C>G, p.Pro674Ala (NM_001354918.2); c.1978C>G, p.Pro660Ala (NM_001083602.3); c.2173C>G, p.Pro725Ala (NM_001083603.3); short protein forms P725A, P726A, P575A, P674A, P660A.
Identifiers: ClinVar variation 3701216 (VCV003701216.2).